The following is an entry in ClinVar:

NM_001386841.1(KRTAP4-1):c.318C>G (p.Leu106=)

Gene: KRTAP4-1 (keratin associated protein 4-1; minus strand). Cytogenetic location: 17q21.2.
Variant type: single nucleotide variant.
Coding change: c.318C>G on transcript NM_001386841.1 (MANE Select); coding-DNA position 318, C replaced by G.
Protein change: p.Leu106=; no amino-acid change (leucine 106 retained).
Molecular consequence: synonymous variant.
Genome position (GRCh38, 1-based): chr17:41,184,537, G>C on the plus strand (C>G on the coding strand, the complement: KRTAP4-1 is on the minus strand). VCF-style: chr17-41184537-G-C. GRCh37 (hg19) VCF-style: chr17-39340789-G-C.
Other names: c.318C>G, p.Leu106= (NM_033060.3).
Identifiers: ClinVar variation 2647762 (VCV002647762.24), dbSNP rs2508863793, ClinGen allele CA499983293.

ClinVar aggregate classification (germline): Likely benign (1 of 4 stars; one submission).

Submission:

CeGaT Center for Human Genetics Tuebingen
Classification: Likely benign. Last evaluated: 2022-07-01. Review status: criteria provided, single submitter. Criteria: CeGaT Center For Human Genetics Tuebingen Variant Classification Criteria Version 2. Collection method: clinical testing. Allele origin: germline. Affected: yes. Observed: 1 variant allele.
Comment: KRTAP4-1: PM2:Supporting, BP4, BP7